The following is an entry in ClinVar:

ClinVar aggregate classification (germline): Likely benign. Review status: criteria provided, multiple submitters, no conflicts (2 of 4 stars). 3 submissions from 3 submitters: Likely benign (2). 1 of the submissions does not count toward it. Last evaluated 2025-11-02.

Conditions:
CACNA1A-related disorder. Also called: CACNA1A-related condition.
Developmental and epileptic encephalopathy, 42 (DEE42A). Also called: Epileptic encephalopathy, early infantile, 42; DEVELOPMENTAL AND EPILEPTIC ENCEPHALOPATHY 42A; EPILEPTIC ENCEPHALOPATHY, EARLY INFANTILE, 42A. Identifiers: MedGen C4310716, MONDO:0014917, OMIM 617106.
Episodic ataxia type 2 (EA2). Also called: ATAXIA, EPISODIC, WITH NYSTAGMUS; ATAXIA, FAMILIAL PAROXYSMAL; CEREBELLAR ATAXIA, PAROXYSMAL, ACETAZOLAMIDE-RESPONSIVE; CEREBELLOPATHY, HEREDITARY PAROXYSMAL; EPISODIC ATAXIA, NYSTAGMUS-ASSOCIATED; ACETAZOLAMIDE-RESPONSIVE HEREDITARY PAROXYSMAL CEREBELLAR ATAXIA. Identifiers: Orphanet 97, MedGen C1720416, MONDO:0007163, OMIM 108500.

Allele frequency attached by ClinVar (database versions not stated): gnomAD 0.00004 and 0.00005; ExAC 0.00009; TOPMed 0.00011; 1000 Genomes Project 30x 0.00016; ESP Exome Variant Server 0.00016; 1000 Genomes Project 0.00020.
gnomAD v4.1: 61 of 1,612,764 alleles (0.0038%); highest among the groups gnomAD compares: African/African-American, 0.013%; no homozygotes.

Submissions (3):

Labcorp Genetics (formerly Invitae), Labcorp
Classification: Likely benign for Developmental and epileptic encephalopathy, 42; Episodic ataxia type 2. Last evaluated: 2025-11-02. Review status: criteria provided, single submitter. Criteria: Invitae Variant Classification Sherloc (09022015). Collection method: clinical testing. Allele origin: germline.

GeneDx
Classification: Likely benign. Last evaluated: 2017-03-03. Review status: criteria provided, single submitter. Criteria: GeneDx Variant Classification (06012015). Collection method: clinical testing. Allele origin: germline. Affected: yes.
Comment: This variant is considered likely benign or benign based on one or more of the following criteria: it is a conservative change, it occurs at a poorly conserved position in the protein, it is predicted to be benign by multiple in silico algorithms, and/or has population frequency not consistent with disease.

PreventionGenetics, part of Exact Sciences
Classification: Likely benign for CACNA1A-related condition. Last evaluated: 2019-05-23. Review status: no assertion criteria provided. Collection method: clinical testing. Allele origin: germline. Not counted in ClinVar's aggregate classification.
Comment: This variant is classified as likely benign based on ACMG/AMP sequence variant interpretation guidelines (Richards et al. 2015 PMID: 25741868, with internal and published modifications).

NM_001127222.2(CACNA1A):c.539+10G>A

Gene: CACNA1A (calcium voltage-gated channel subunit alpha1 A; minus strand). Cytogenetic location: 19p13.13.
Variant type: single nucleotide variant.
Coding change: c.539+10G>A on transcript NM_001127222.2 (MANE Select); 10 bases into the intron after coding-DNA position 539, G replaced by A.
Molecular consequence: intron variant.
Genome position (GRCh38, 1-based): chr19:13,452,866, C>T on the plus strand (G>A on the coding strand, the complement: CACNA1A is on the minus strand). VCF-style: chr19-13452866-C-T. GRCh37 (hg19) VCF-style: chr19-13563680-C-T.
Other names: c.539+10G>A (NM_001127221.2, NM_001174080.2, NM_000068.4 and 2 more transcripts).
Identifiers: ClinVar variation 507795 (VCV000507795.12), dbSNP rs375079448, ClinGen allele CA9241019.